The following is an entry in ClinVar:

NM_001375524.1(TRRAP):c.1809T>C (p.Tyr603=)

Gene: TRRAP (transformation/transcription domain associated protein; plus strand). Cytogenetic location: 7q22.1.
Variant type: single nucleotide variant.
Coding change: c.1809T>C on transcript NM_001375524.1 (MANE Select); coding-DNA position 1809, T replaced by C.
Protein change: p.Tyr603=; no amino-acid change (tyrosine 603 retained).
Molecular consequence: synonymous variant.
Genome position (GRCh38, 1-based): chr7:98,910,604, T>C. VCF-style: chr7-98910604-T-C. GRCh37 (hg19) VCF-style: chr7-98508227-T-C.
Other names: c.1809T>C, p.Tyr603= (NM_001244580.2, NM_003496.4).
Identifiers: ClinVar variation 788268 (VCV000788268.40), dbSNP rs34648627, ClinGen allele CA4359618.

ClinVar aggregate classification (germline): Benign. Review status: criteria provided, multiple submitters, no conflicts (2 of 4 stars). 3 submissions from 3 submitters: Benign (3). Last evaluated 2026-08-01.

Allele frequency attached by ClinVar (database versions not stated): 1000 Genomes Project 30x 0.00531; gnomAD 0.00556 and 0.00590; TOPMed 0.00607; 1000 Genomes Project 0.00619; ESP Exome Variant Server 0.00661; gnomAD exomes 0.00693 and 0.00899; ExAC 0.00748.
gnomAD v4.1: 13,980 of 1,612,542 alleles (0.87%); highest among the groups gnomAD compares: Non-Finnish European, 1%; 84 homozygotes.

Submissions (3):

CeGaT Center for Human Genetics Tuebingen
Classification: Benign. Last evaluated: 2026-08-01. Review status: criteria provided, single submitter. Criteria: CeGaT Center For Human Genetics Tuebingen Variant Classification Criteria Version 2. Collection method: clinical testing. Allele origin: germline. Affected: yes. Observed: 39 variant alleles.
Comment: TRRAP: BP4, BP7, BS1, BS2

Labcorp Genetics (formerly Invitae), Labcorp
Classification: Benign. Last evaluated: 2026-01-27. Review status: criteria provided, single submitter. Criteria: Invitae Variant Classification Sherloc (09022015). Collection method: clinical testing. Allele origin: germline.

Breakthrough Genomics
Classification: Benign. Review status: criteria provided, single submitter. Criteria: ACMG Guidelines, 2015. Collection method: not provided. Allele origin: germline. Inheritance: Autosomal dominant inheritance. Affected: yes.